The following is an entry in ClinVar:

ClinVar aggregate classification (germline): Uncertain significance. Review status: criteria provided, multiple submitters, no conflicts (2 of 4 stars). 2 submissions from 2 submitters: Uncertain significance (2). Last evaluated 2025-11-24.

Allele frequency attached by ClinVar (database versions not stated): TOPMed 0.00001; gnomAD 0.00001.
gnomAD v4.1: 39 of 1,611,468 alleles (0.0024%); highest among the groups gnomAD compares: Non-Finnish European, 0.0033%; no homozygotes.

Submissions (2):

Ambry Genetics
Classification: Uncertain significance. Last evaluated: 2025-11-24. Review status: criteria provided, single submitter. Criteria: Ambry Variant Classification Scheme 2023. Collection method: clinical testing. Allele origin: germline.

Labcorp Genetics (formerly Invitae), Labcorp
Classification: Uncertain significance. Last evaluated: 2025-07-11. Review status: criteria provided, single submitter. Criteria: Invitae Variant Classification Sherloc (09022015). Collection method: clinical testing. Allele origin: germline.
Comment: This sequence change replaces threonine, which is neutral and polar, with isoleucine, which is neutral and non-polar, at codon 183 of the IL6ST protein (p.Thr183Ile). This variant is not present in population databases (gnomAD no frequency). This variant has not been reported in the literature in individuals affected with IL6ST-related conditions. ClinVar contains an entry for this variant (Variation ID: 2784881). An algorithm developed to predict the effect of missense changes on protein structure and function outputs the following: PolyPhen-2: "Benign". The isoleucine amino acid residue is found in multiple mammalian species, which suggests that this missense change does not adversely affect protein function. In summary, the available evidence is currently insufficient to determine the role of this variant in disease. Therefore, it has been classified as a Variant of Uncertain Significance.

NM_002184.4(IL6ST):c.548C>T (p.Thr183Ile)

Gene: IL6ST (interleukin 6 cytokine family signal transducer; minus strand). Cytogenetic location: 5q11.2.
Variant type: single nucleotide variant.
Coding change: c.548C>T on transcript NM_002184.4 (MANE Select); coding-DNA position 548, C replaced by T.
Protein change: p.Thr183Ile; replaces threonine 183 with isoleucine.
Molecular consequence: missense variant. On other transcripts: 5 prime UTR variant (3), non-coding transcript variant (2).
Genome position (GRCh38, 1-based): chr5:55,964,256, G>A on the plus strand (C>T on the coding strand, the complement: IL6ST is on the minus strand). VCF-style: chr5-55964256-G-A. GRCh37 (hg19) VCF-style: chr5-55260084-G-A.
Other names: c.548C>T, p.Thr183Ile (NM_001190981.2, NM_001364275.2, NM_175767.3); c.338C>T, p.Thr113Ile (NM_001364276.2); c.-366C>T (NM_001364277.2, NM_001364279.2); c.-356C>T (NM_001364278.2); c.548C>T (NM_002184.3); short protein forms T183I, T113I.
Identifiers: ClinVar variation 2784881 (VCV002784881.4), dbSNP rs1284408646, ClinGen allele CA359767232.